The following is an entry in ClinVar:

ClinVar aggregate classification (germline): Pathogenic (1 of 4 stars; one submission).

Conditions:
Hereditary breast ovarian cancer syndrome. Also called: Hereditary breast and/or ovarian cancer syndrome; Hereditary breast and ovarian cancer; Hereditary breast and ovarian cancer syndrome; Breast and ovarian cancer; Hereditary breast and ovarian cancer syndrome (HBOC); BRCA1- and BRCA2-Associated Hereditary Breast and Ovarian Cancer. Identifiers: Orphanet 145, MedGen C0677776, MeSH D061325, MONDO:0003582. Disease mechanism: loss of function.

Submission:

Labcorp Genetics (formerly Invitae), Labcorp
Classification: Pathogenic for Hereditary breast ovarian cancer syndrome. Last evaluated: 2023-01-06. Review status: criteria provided, single submitter. Criteria: Invitae Variant Classification Sherloc (09022015). Collection method: clinical testing. Allele origin: germline.
Comment: This sequence change inserts a large fragment of DNA, likely a transposable element, in exon 10 of the BRCA1 gene (c.2982_2983ins?), causing a frameshift at codon 995 (p.Lys995fs). The exact size and sequence of the insertion cannot be determined by the current assay. However, the insertion is expected to result in an absent or disrupted protein product. This variant is not present in population databases (gnomAD no frequency). This variant has not been reported in the literature in individuals affected with BRCA1-related conditions. For these reasons, this variant has been classified as Pathogenic. Retrotransposon insertions including LINE1 (L1), Alu, and SVA (SINE-VNTR-Alu) have been reported to be disease-causing through disruption of either a coding region or splice site (PMID: 19763152, 20307669, 22406018) and loss-of-function variants in BRCA1 are known to be pathogenic (PMID: 20104584).

Literature cited by the submitters: PubMed 19763152; PubMed 20307669; PubMed 22406018; PubMed 20104584.

NM_007294.4(BRCA1):c.2982_2983insGGTCGGGCGCGGTGGCTCACGCCTGTAATCCCAGCACTTTGGGAGGCCGAGGCGGGCGGATCACGAGGTCAGGNNNNNNNNNNAAAAAAAAAAAAAAAAAAAAAAAACTAAATGT (p.Lys995delinsGlyArgAlaArgTrpLeuThrProValIleProAlaLeuTrpGluAlaGluAlaGlyGlySerArgGlyGlnXaaXaaXaaXaaLysLysLysLysLysLysLysAsnTer)

Gene: BRCA1 (BRCA1 DNA repair associated; minus strand). Cytogenetic location: 17q21.31.
Variant type: Insertion.
Coding change: c.2982_2983insGGTCGGGCGCGGTGGCTCACGCCTGTAATCCCAGCACTTTGGGAGGCCGAGGCGGGCGGATCACGAGGTCAGGNNNNNNNNNNAAAAAAAAAAAAAAAAAAAAAAAACTAAATGT on transcript NM_007294.4 (MANE Select); coding-DNA positions 2982 to 2983, GGTCGGGCGCGGTGGCTCACGCCTGTAATCCCAGCACTTTGGGAGGCCGAGGCGGGCGGATCACGAGGTCAGGNNNNNNNNNNAAAAAAAAAAAAAAAAAAAAAAAACTAAATGT inserted.
Protein change: p.Lys995delinsGlyArgAlaArgTrpLeuThrProValIleProAlaLeuTrpGluAlaGluAlaGlyGlySerArgGlyGlnXaaXaaXaaXaaLysLysLysLysLysLysLysAsnTer.
Molecular consequence: nonsense. On other transcripts: intron variant (137).
Genome position: GRCh38: chr17:43,092,560-43,092,561. GRCh37 (hg19): chr17:41,244,577-41,244,578.
Other names: c.2841_2842insGGTCGGGCGCGGTGGCTCACGCCTGTAATCCCAGCACTTTGGGAGGCCGAGGCGGGCGGATCACGAGGTCAGGNNNNNNNNNNAAAAAAAAAAAAAAAAAAAAAAAACTAAATGT, p.Lys948delinsGlyArgAlaArgTrpLeuThrProValIleProAlaLeuTrpGluAlaGluAlaGlyGlySerArgGlyGlnXaaXaaXaaXaaLysLysLysLysLysLysLysAsnTer (NM_001407692.1, NM_001407696.1, NM_001407724.1 and 29 more transcripts); c.2856_2857insGGTCGGGCGCGGTGGCTCACGCCTGTAATCCCAGCACTTTGGGAGGCCGAGGCGGGCGGATCACGAGGTCAGGNNNNNNNNNNAAAAAAAAAAAAAAAAAAAAAAAACTAAATGT, p.Lys953delinsGlyArgAlaArgTrpLeuThrProValIleProAlaLeuTrpGluAlaGluAlaGlyGlySerArgGlyGlnXaaXaaXaaXaaLysLysLysLysLysLysLysAsnTer (NM_001407686.1, NM_001407687.1, NM_001407688.1 and 11 more transcripts); c.2838_2839insGGTCGGGCGCGGTGGCTCACGCCTGTAATCCCAGCACTTTGGGAGGCCGAGGCGGGCGGATCACGAGGTCAGGNNNNNNNNNNAAAAAAAAAAAAAAAAAAAAAAAACTAAATGT, p.Lys947delinsGlyArgAlaArgTrpLeuThrProValIleProAlaLeuTrpGluAlaGluAlaGlyGlySerArgGlyGlnXaaXaaXaaXaaLysLysLysLysLysLysLysAsnTer (NM_001407740.1, NM_001407741.1, NM_001407742.1 and 20 more transcripts); c.2769_2770insGGTCGGGCGCGGTGGCTCACGCCTGTAATCCCAGCACTTTGGGAGGCCGAGGCGGGCGGATCACGAGGTCAGGNNNNNNNNNNAAAAAAAAAAAAAAAAAAAAAAAACTAAATGT, p.Lys924delinsGlyArgAlaArgTrpLeuThrProValIleProAlaLeuTrpGluAlaGluAlaGlyGlySerArgGlyGlnXaaXaaXaaXaaLysLysLysLysLysLysLysAsnTer (NM_001407853.1, NM_001407571.1, NM_001407894.1 and 9 more transcripts); c.2982_2983insGGTCGGGCGCGGTGGCTCACGCCTGTAATCCCAGCACTTTGGGAGGCCGAGGCGGGCGGATCACGAGGTCAGGNNNNNNNNNNAAAAAAAAAAAAAAAAAAAAAAAACTAAATGT, p.Lys995delinsGlyArgAlaArgTrpLeuThrProValIleProAlaLeuTrpGluAlaGluAlaGlyGlySerArgGlyGlnXaaXaaXaaXaaLysLysLysLysLysLysLysAsnTer (NM_001407854.1, NM_001407858.1, NM_001407859.1 and 30 more transcripts); c.2979_2980insGGTCGGGCGCGGTGGCTCACGCCTGTAATCCCAGCACTTTGGGAGGCCGAGGCGGGCGGATCACGAGGTCAGGNNNNNNNNNNAAAAAAAAAAAAAAAAAAAAAAAACTAAATGT, p.Lys994delinsGlyArgAlaArgTrpLeuThrProValIleProAlaLeuTrpGluAlaGluAlaGlyGlySerArgGlyGlnXaaXaaXaaXaaLysLysLysLysLysLysLysAsnTer (NM_001407860.1, NM_001407861.1, NM_001407587.1 and 22 more transcripts); c.2781_2782insGGTCGGGCGCGGTGGCTCACGCCTGTAATCCCAGCACTTTGGGAGGCCGAGGCGGGCGGATCACGAGGTCAGGNNNNNNNNNNAAAAAAAAAAAAAAAAAAAAAAAACTAAATGT, p.Lys928delinsGlyArgAlaArgTrpLeuThrProValIleProAlaLeuTrpGluAlaGluAlaGlyGlySerArgGlyGlnXaaXaaXaaXaaLysLysLysLysLysLysLysAsnTer (NM_001407862.1); c.2859_2860insGGTCGGGCGCGGTGGCTCACGCCTGTAATCCCAGCACTTTGGGAGGCCGAGGCGGGCGGATCACGAGGTCAGGNNNNNNNNNNAAAAAAAAAAAAAAAAAAAAAAAACTAAATGT, p.Lys954delinsGlyArgAlaArgTrpLeuThrProValIleProAlaLeuTrpGluAlaGluAlaGlyGlySerArgGlyGlnXaaXaaXaaXaaLysLysLysLysLysLysLysAsnTer (NM_001407863.1, NM_001407919.1, NM_001407648.1 and 19 more transcripts); and 41 more.
Identifiers: ClinVar variation 2825624 (VCV002825624.3), dbSNP rs2552178649.